The following is an entry in ClinVar:

ClinVar aggregate classification (germline): Uncertain significance (1 of 4 stars; one submission).

Conditions:
Mendelian susceptibility to mycobacterial diseases due to complete ISG15 deficiency. Also called: IMMUNODEFICIENCY 38, MYCOBACTERIOSIS, AUTOSOMAL RECESSIVE; ISG15 DEFICIENCY, AUTOSOMAL RECESSIVE; Immunodeficiency 38 with basal ganglia calcification; Immunodeficiency 38. Identifiers: Orphanet 319563, MedGen C4015293, MONDO:0014502, OMIM 616126.

Submission:

Labcorp Genetics (formerly Invitae), Labcorp
Classification: Uncertain significance for Mendelian susceptibility to mycobacterial diseases due to complete ISG15 deficiency. Last evaluated: 2022-08-15. Review status: criteria provided, single submitter. Criteria: Invitae Variant Classification Sherloc (09022015). Collection method: clinical testing. Allele origin: germline.
Comment: Experimental studies and prediction algorithms are not available or were not evaluated, and the functional significance of this variant is currently unknown. In summary, the available evidence is currently insufficient to determine the role of this variant in disease. Therefore, it has been classified as a Variant of Uncertain Significance. This variant has not been reported in the literature in individuals affected with ISG15-related conditions. This variant is a gross deletion of the genomic region encompassing exon(s) 1 of the ISG15 gene, which includes the initiator codon. This deletion extends beyond the assayed region for this gene and therefore may encompass additional genes. It is expected to result in an absent or disrupted protein product. However, the current clinical and genetic evidence is not sufficient to establish whether loss-of-function variants in ISG15 cause disease.

NC_000001.10:g.(?_861322)_(948976_?)dup

Genes: HES4 (hes family bHLH transcription factor 4; minus strand), ISG15 (ISG15 ubiquitin like modifier; plus strand), KLHL17 (kelch like family member 17; plus strand), NOC2L (NOC2 like nucleolar associated transcriptional repressor; minus strand), PLEKHN1 (pleckstrin homology domain containing N1; plus strand) and 1 more. Cytogenetic location: 1p36.33.
Variant type: Duplication.
Identifiers: ClinVar variation 2425297 (VCV002425297.4).